The following is an entry in ClinVar:

NM_005076.5(CNTN2):c.850T>C (p.Trp284Arg)

Gene: CNTN2 (contactin 2; plus strand). Cytogenetic location: 1q32.1.
Variant type: single nucleotide variant.
Coding change: c.850T>C on transcript NM_005076.5 (MANE Select); coding-DNA position 850, T replaced by C.
Protein change: p.Trp284Arg; replaces tryptophan 284 with arginine.
Molecular consequence: missense variant. On other transcripts: non-coding transcript variant (1).
Genome position (GRCh38, 1-based): chr1:205,061,297, T>C. VCF-style: chr1-205061297-T-C. GRCh37 (hg19) VCF-style: chr1-205030425-T-C.
Other names: c.850T>C, p.Trp284Arg (NM_001346083.2); short protein forms W284R.
Identifiers: ClinVar variation 842886 (VCV000842886.7), dbSNP rs1340726271, ClinGen allele CA344409258.

ClinVar aggregate classification (germline): Uncertain significance (1 of 4 stars; one submission).

Conditions:
Epilepsy, familial adult myoclonic, 5 (EPEO5). Also called: CORTICAL MYOCLONIC TREMOR WITH EPILEPSY, FAMILIAL, 5. Identifiers: Orphanet 86814, MedGen C3809374, MONDO:0014167, OMIM 615400.

Allele frequency attached by ClinVar (database versions not stated): gnomAD exomes below 0.00001; gnomAD 0.00002; TOPMed below 0.00001.
gnomAD v4.1: 9 of 1,613,940 alleles (0.00056%); highest among the groups gnomAD compares: African/African-American, 0.004%; no homozygotes.

Submission:

Labcorp Genetics (formerly Invitae), Labcorp
Classification: Uncertain significance for Epilepsy, familial adult myoclonic, 5. Last evaluated: 2021-09-08. Review status: criteria provided, single submitter. Criteria: Invitae Variant Classification Sherloc (09022015). Collection method: clinical testing. Allele origin: germline.
Comment: This sequence change replaces tryptophan with arginine at codon 284 of the CNTN2 protein (p.Trp284Arg). The tryptophan residue is highly conserved and there is a moderate physicochemical difference between tryptophan and arginine. This variant is not present in population databases (ExAC no frequency). This variant has not been reported in the literature in individuals affected with CNTN2-related conditions. Algorithms developed to predict the effect of missense changes on protein structure and function (SIFT, PolyPhen-2, Align-GVGD) all suggest that this variant is likely to be disruptive. In summary, the available evidence is currently insufficient to determine the role of this variant in disease. Therefore, it has been classified as a Variant of Uncertain Significance.